The following is an entry in ClinVar:

ClinVar aggregate classification (germline): Uncertain significance (1 of 4 stars; one submission).

Conditions:
Baller-Gerold syndrome (BGS). Also called: CRANIOSYNOSTOSIS WITH RADIAL DEFECTS. Identifiers: Orphanet 1225, MedGen C0265308, MONDO:0009039, OMIM 218600.

gnomAD v4.1: 3 of 1,612,098 alleles (0.00019%); highest among the groups gnomAD compares: South Asian, 0.0022%; no homozygotes.

Submission:

Labcorp Genetics (formerly Invitae), Labcorp
Classification: Uncertain significance for Baller-Gerold syndrome. Last evaluated: 2021-04-04. Review status: criteria provided, single submitter. Criteria: Invitae Variant Classification Sherloc (09022015). Collection method: clinical testing. Allele origin: germline.
Comment: In summary, the available evidence is currently insufficient to determine the role of this variant in disease. Therefore, it has been classified as a Variant of Uncertain Significance. Experimental studies and prediction algorithms are not available or were not evaluated, and the functional significance of this variant is currently unknown. This variant has not been reported in the literature in individuals with RECQL4-related conditions. This variant is not present in population databases (ExAC no frequency). This sequence change replaces arginine with leucine at codon 1058 of the RECQL4 protein (p.Arg1058Leu). The arginine residue is highly conserved and there is a moderate physicochemical difference between arginine and leucine.

NM_004260.4(RECQL4):c.3173G>T (p.Arg1058Leu)

Gene: RECQL4 (RecQ like helicase 4; minus strand). Cytogenetic location: 8q24.3.
Variant type: single nucleotide variant.
Coding change: c.3173G>T on transcript NM_004260.4 (MANE Select); coding-DNA position 3173, G replaced by T.
Protein change: p.Arg1058Leu; replaces arginine 1058 with leucine.
Molecular consequence: missense variant.
Genome position (GRCh38, 1-based): chr8:144,512,207, C>A on the plus strand (G>T on the coding strand, the complement: RECQL4 is on the minus strand). VCF-style: chr8-144512207-C-A. GRCh37 (hg19) VCF-style: chr8-145737590-C-A.
Other names: short protein forms R1058L.
Identifiers: ClinVar variation 1522946 (VCV001522946.6), dbSNP rs778819494, ClinGen allele CA372670077.